The following is an entry in ClinVar:

ClinVar aggregate classification (germline): Pathogenic (1 of 4 stars; one submission).

Conditions:
Aortic valve disease 2 (AOVD2). Identifiers: MedGen C3542024, MONDO:0013902, OMIM 614823.

Submission:

Labcorp Genetics (formerly Invitae), Labcorp
Classification: Pathogenic for Aortic valve disease 2. Last evaluated: 2017-06-12. Review status: criteria provided, single submitter. Criteria: Invitae Variant Classification Sherloc (09022015). Collection method: clinical testing. Allele origin: germline.
Comment: For these reasons, this variant has been classified as Pathogenic. Loss-of-function variants in TBX5 are known to be pathogenic (PMID: 16917909, 16183809). Deletions of this gene have been observed in multiple individuals with Holt-Oram syndrome (PMID: 22382802, 23713051, 26749485, 27722056). A gross deletion of the genomic region encompassing the full coding sequence of the TBX5 gene has been identified. The boundaries of this event are unknown as the deletion extends beyond the assayed region for this gene and therefore may encompass additional genes.

Literature cited by the submitters: PubMed 16917909; PubMed 16183809; PubMed 22382802; PubMed 23713051; PubMed 26749485; PubMed 27722056.

NC_000012.11:g.(?_114793317)_(114841723_?)del

Gene: TBX5 (T-box transcription factor 5; minus strand). Cytogenetic location: 12q24.21.
Variant type: Deletion.
Identifiers: ClinVar variation 477653 (VCV000477653.5).